The following is an entry in ClinVar:

NM_001039111.3(TRIM71):c.203C>G (p.Pro68Arg)

Gene: TRIM71 (tripartite motif containing 71; plus strand). Cytogenetic location: 3p22.3.
Variant type: single nucleotide variant.
Coding change: c.203C>G on transcript NM_001039111.3 (MANE Select); coding-DNA position 203, C replaced by G.
Protein change: p.Pro68Arg; replaces proline 68 with arginine.
Molecular consequence: missense variant.
Genome position (GRCh38, 1-based): chr3:32,818,283, C>G. VCF-style: chr3-32818283-C-G. GRCh37 (hg19) VCF-style: chr3-32859775-C-G.
Other names: short protein forms P68R.
Identifiers: ClinVar variation 5000133 (VCV005000133.1).

ClinVar aggregate classification (germline): Uncertain significance (1 of 4 stars; one submission).

Conditions:
TRIM71-related disorder. Also called: TRIM71-related condition.

Submission:

PreventionGenetics, part of Exact Sciences
Classification: Uncertain significance for TRIM71-related condition. Last evaluated: 2025-09-03. Review status: criteria provided, single submitter. Criteria: ACMG Guidelines, 2015. Collection method: clinical testing. Allele origin: germline.
Comment: The TRIM71 c.203C>G variant is predicted to result in the amino acid substitution p.Pro68Arg. To our knowledge, this variant has not been reported in the literature or in a large population database (gnomAD), indicating this variant is rare. At this time, the clinical significance of this variant is uncertain due to the absence of conclusive functional and genetic evidence.